The following is an entry in ClinVar:

NM_002907.4(RECQL):c.1268T>C (p.Ile423Thr)

Gene: RECQL (RecQ like helicase; minus strand). Cytogenetic location: 12p12.1.
Variant type: single nucleotide variant.
Coding change: c.1268T>C on transcript NM_002907.4 (MANE Select); coding-DNA position 1268, T replaced by C.
Protein change: p.Ile423Thr; replaces isoleucine 423 with threonine.
Molecular consequence: missense variant.
Genome position (GRCh38, 1-based): chr12:21,474,928, A>G on the plus strand (T>C on the coding strand, the complement: RECQL is on the minus strand). VCF-style: chr12-21474928-A-G. GRCh37 (hg19) VCF-style: chr12-21627862-A-G.
Other names: c.1268T>C, p.Ile423Thr (NM_032941.3); short protein forms I423T.
Identifiers: ClinVar variation 1254820 (VCV001254820.10), dbSNP rs376138398, ClinGen allele CA6478805.

ClinVar aggregate classification (germline): Uncertain significance. Review status: criteria provided, multiple submitters, no conflicts (2 of 4 stars). 3 submissions from 3 submitters: Uncertain significance (3). Last evaluated 2025-04-10.

Allele frequency attached by ClinVar (database versions not stated): ESP Exome Variant Server 0.00008; gnomAD exomes below 0.00001 and 0.00001; ExAC 0.00002; gnomAD 0.00002 and 0.00004; TOPMed 0.00003.

Submissions (3):

Ambry Genetics
Classification: Uncertain significance. Last evaluated: 2025-04-10. Review status: criteria provided, single submitter. Criteria: Ambry Variant Classification Scheme 2023. Collection method: clinical testing. Allele origin: germline.
Comment: The p.I423T variant (also known as c.1268T>C), located in coding exon 10 of the RECQL gene, results from a T to C substitution at nucleotide position 1268. The isoleucine at codon 423 is replaced by threonine, an amino acid with similar properties. This amino acid position is well conserved in available vertebrate species. In addition, the in silico prediction for this alteration is inconclusive. Since supporting evidence is limited at this time, the clinical significance of this alteration remains unclear.

Labcorp Genetics (formerly Invitae), Labcorp
Classification: Uncertain significance. Last evaluated: 2024-02-27. Review status: criteria provided, single submitter. Criteria: Invitae Variant Classification Sherloc (09022015). Collection method: clinical testing. Allele origin: germline.
Comment: This sequence change replaces isoleucine, which is neutral and non-polar, with threonine, which is neutral and polar, at codon 423 of the RECQL protein (p.Ile423Thr). This variant is present in population databases (rs376138398, gnomAD 0.01%). This variant has not been reported in the literature in individuals affected with RECQL-related conditions. ClinVar contains an entry for this variant (Variation ID: 1254820). Advanced modeling of protein sequence and biophysical properties (such as structural, functional, and spatial information, amino acid conservation, physicochemical variation, residue mobility, and thermodynamic stability) performed at Invitae indicates that this missense variant is not expected to disrupt RECQL protein function with a negative predictive value of 80%. In summary, the available evidence is currently insufficient to determine the role of this variant in disease. Therefore, it has been classified as a Variant of Uncertain Significance.

GeneDx
Classification: Uncertain significance. Last evaluated: 2021-09-01. Review status: criteria provided, single submitter. Criteria: GeneDx Variant Classification Process June 2021. Collection method: clinical testing. Allele origin: germline. Affected: yes.
Comment: In silico analysis supports that this missense variant has a deleterious effect on protein structure/function; Has not been previously published as pathogenic or benign to our knowledge; This variant is associated with the following publications: (PMID: 19151156, 27248010)